The following is an entry in ClinVar:

ClinVar aggregate classification (germline): Uncertain significance (1 of 4 stars; one submission).

Conditions:
Hyperekplexia 2 (HKPX2). Identifiers: Orphanet 3197, MedGen C3553291, MONDO:0013828, OMIM 614619.

Allele frequency attached by ClinVar (database versions not stated): gnomAD exomes below 0.00001; TOPMed below 0.00001; gnomAD 0.00001.
gnomAD v4.1: 6 of 1,529,474 alleles (0.00039%); highest among the groups gnomAD compares: South Asian, 0.0011%; no homozygotes.

Submission:

Labcorp Genetics (formerly Invitae), Labcorp
Classification: Uncertain significance for Hyperekplexia 2. Last evaluated: 2022-01-16. Review status: criteria provided, single submitter. Criteria: Invitae Variant Classification Sherloc (09022015). Collection method: clinical testing. Allele origin: germline.
Comment: In summary, the available evidence is currently insufficient to determine the role of this variant in disease. Therefore, it has been classified as a Variant of Uncertain Significance. Algorithms developed to predict the effect of missense changes on protein structure and function are either unavailable or do not agree on the potential impact of this missense change (SIFT: "Tolerated"; PolyPhen-2: "Possibly Damaging"; Align-GVGD: "Class C0"). This variant has not been reported in the literature in individuals affected with GLRB-related conditions. This variant is not present in population databases (gnomAD no frequency). This sequence change replaces threonine, which is neutral and polar, with alanine, which is neutral and non-polar, at codon 207 of the GLRB protein (p.Thr207Ala).

NM_000824.5(GLRB):c.619A>G (p.Thr207Ala)

Gene: GLRB (glycine receptor beta; plus strand). Cytogenetic location: 4q32.1.
Variant type: single nucleotide variant.
Coding change: c.619A>G on transcript NM_000824.5 (MANE Select); coding-DNA position 619, A replaced by G.
Protein change: p.Thr207Ala; replaces threonine 207 with alanine.
Molecular consequence: missense variant.
Genome position (GRCh38, 1-based): chr4:157,138,817, A>G. VCF-style: chr4-157138817-A-G. GRCh37 (hg19) VCF-style: chr4-158059969-A-G.
Other names: c.619A>G, p.Thr207Ala (NM_001166060.2, NM_001166061.2); short protein forms T207A.
Identifiers: ClinVar variation 2086536 (VCV002086536.2), dbSNP rs1736503955, ClinGen allele CA358643236.